The following is an entry in ClinVar:

ClinVar aggregate classification (germline): Uncertain significance. Review status: criteria provided, multiple submitters, no conflicts (2 of 4 stars). 3 submissions from 3 submitters: Uncertain significance (3). Last evaluated 2026-06-01.

Conditions:
TTN-related disorder. Also called: TTN-related disorders; TTN-related condition; TTN-related disease.
Cardiovascular phenotype. Identifiers: MedGen CN230736.

Allele frequency attached by ClinVar (database versions not stated): ExAC 0.00001; gnomAD exomes 0.00001; gnomAD 0.00005; TOPMed 0.00006.
gnomAD v4.1: 18 of 1,613,148 alleles (0.0011%); highest among the groups gnomAD compares: African/African-American, 0.019%; no homozygotes.

Submissions (3):

PreventionGenetics, part of Exact Sciences
Classification: Uncertain significance for TTN-related condition. Last evaluated: 2026-06-01. Review status: criteria provided, single submitter. Criteria: ACMG Guidelines, 2015. Collection method: clinical testing. Allele origin: germline.
Comment: The TTN c.64003G>A variant is predicted to result in the amino acid substitution p.Glu21335Lys. To our knowledge, this variant has not been reported in the literature. This variant is reported in 0.021% of alleles in individuals of African descent in gnomAD. At this time, the clinical significance of this variant is uncertain due to the absence of conclusive functional and genetic evidence.

Revvity Omics, Revvity
Classification: Uncertain significance. Last evaluated: 2025-01-30. Review status: criteria provided, single submitter. Criteria: ACMG Guidelines, 2015. Collection method: clinical testing. Allele origin: germline.

Ambry Genetics
Classification: Uncertain significance for Cardiovascular phenotype. Last evaluated: 2019-08-27. Review status: criteria provided, single submitter. Criteria: Ambry Variant Classification Scheme 2023. Collection method: clinical testing. Allele origin: germline.
Comment: The p.E12270K variant (also known as c.36808G>A), located in coding exon 134 of the TTN gene, results from a G to A substitution at nucleotide position 36808. The glutamic acid at codon 12270 is replaced by lysine, an amino acid with similar properties. This amino acid position is highly conserved in available vertebrate species. In addition, the in silico prediction for this alteration is inconclusive. Since supporting evidence is limited at this time, the clinical significance of this alteration remains unclear.

NM_001267550.2(TTN):c.64003G>A (p.Glu21335Lys)

Genes: TTN (titin; minus strand), TTN-AS1 (TTN antisense RNA 1; plus strand). Cytogenetic location: 2q31.2.
Variant type: single nucleotide variant.
Coding change: c.64003G>A on transcript NM_001267550.2 (MANE Select); coding-DNA position 64003, G replaced by A.
Protein change: p.Glu21335Lys; replaces glutamic acid 21335 with lysine.
Molecular consequence: missense variant.
Genome position (GRCh38, 1-based): chr2:178,587,208, C>T on the plus strand (G>A on the coding strand, the complement: TTN is on the minus strand). VCF-style: chr2-178587208-C-T. GRCh37 (hg19) VCF-style: chr2-179451935-C-T.
Other names: c.59080G>A, p.Glu19694Lys (NM_001256850.1); c.36808G>A, p.Glu12270Lys (NM_003319.4); c.56299G>A, p.Glu18767Lys (NM_133378.4); c.37183G>A, p.Glu12395Lys (NM_133432.3); c.37384G>A, p.Glu12462Lys (NM_133437.4); short protein forms E21335K, E19694K, E12270K, E12395K, E12462K, E18767K.
Identifiers: ClinVar variation 1733882 (VCV001733882.4), dbSNP rs773791222, ClinGen allele CA1991984.